The following is an entry in ClinVar:

ClinVar aggregate classification (germline): Uncertain significance (1 of 4 stars; one submission).

Submission:

Labcorp Genetics (formerly Invitae), Labcorp
Classification: Uncertain significance. Last evaluated: 2022-02-21. Review status: criteria provided, single submitter. Criteria: Invitae Variant Classification Sherloc (09022015). Collection method: clinical testing. Allele origin: germline.
Comment: This variant, c.668_670del, results in the deletion of 1 amino acid(s) of the TET2 protein (p.Gly223del), but otherwise preserves the integrity of the reading frame. This variant is not present in population databases (gnomAD no frequency). This variant has not been reported in the literature in individuals affected with TET2-related conditions. Experimental studies and prediction algorithms are not available or were not evaluated, and the functional significance of this variant is currently unknown. In summary, the available evidence is currently insufficient to determine the role of this variant in disease. Therefore, it has been classified as a Variant of Uncertain Significance.

NM_001127208.3(TET2):c.668_670del (p.Gly223del)

Genes: TET2 (tet methylcytosine dioxygenase 2; plus strand), TET2-AS1 (TET2 antisense RNA 1; minus strand). Cytogenetic location: 4q24.
Variant type: Deletion.
Coding change: c.668_670del on transcript NM_001127208.3 (MANE Select); coding-DNA positions 668 to 670, 3 bases deleted (GTG; older notation c.668_670delGTG).
Protein change: p.Gly223del; deletes glycine 223.
Molecular consequence: inframe deletion.
Genome position (GRCh38, 1-based): chr4:105,234,610-105,234,612, GTG deleted; deleting any 3 consecutive bases within chr4:105,234,608-105,234,612 gives the same sequence; the c. name uses the placement nearest the transcript's 3' end. VCF-style (leftmost placement, unchanged base first): chr4-105234607-ATGG-A. GRCh37 (hg19) VCF-style: chr4-106155764-ATGG-A.
Other names: c.668_670del, p.Gly223del (NM_017628.4); short protein forms G223del.
Identifiers: ClinVar variation 2100877 (VCV002100877.4), dbSNP rs2476482735, ClinGen allele CA2580071296.